The following is an entry in ClinVar:

NM_152594.3(SPRED1):c.553A>G (p.Arg185Gly)

Gene: SPRED1 (sprouty related EVH1 domain containing 1; plus strand). Cytogenetic location: 15q14.
Variant type: single nucleotide variant.
Coding change: c.553A>G on transcript NM_152594.3 (MANE Select); coding-DNA position 553, A replaced by G.
Protein change: p.Arg185Gly; replaces arginine 185 with glycine.
Molecular consequence: missense variant.
Genome position (GRCh38, 1-based): chr15:38,339,866, A>G. VCF-style: chr15-38339866-A-G. GRCh37 (hg19) VCF-style: chr15-38632067-A-G.
Other names: short protein forms R185G.
Identifiers: ClinVar variation 3015449 (VCV003015449.3), dbSNP rs921335586, ClinGen allele CA269292210.
Genomic context (GRCh38, chr15:38,339,866, plus strand): 5'-AGTGAGCCTTATAGAAGCTCAAATATAAGACCTTCTCCCTTTGAAGATCTGAATGCCAGA[A>G]GAGTCTACATGCAAAGCCAAGCCAATCAGGTAAGAAGATAAAATATTTTTTCGGCGCGTT-3'
Protein context (NP_689807.1, residues 175-195): PSPFEDLNAR[Arg185Gly]VYMQSQANQI

ClinVar aggregate classification (germline): Uncertain significance (1 of 4 stars; one submission).

Conditions:
Legius syndrome. Identifiers: Orphanet 137605, MedGen C1969623, MONDO:0012669, OMIM 611431. Disease mechanism: loss of function.

Allele frequency attached by ClinVar (database versions not stated): gnomAD 0.00001; TOPMed 0.00002.
gnomAD v4.1: 1 of 1,613,846 alleles (0.000062%); highest among the groups gnomAD compares: African/African-American, 0.0013%; no homozygotes.

Submission:

Labcorp Genetics (formerly Invitae), Labcorp
Classification: Uncertain significance for Legius syndrome. Last evaluated: 2025-11-12. Review status: criteria provided, single submitter. Criteria: Invitae Variant Classification Sherloc (09022015). Collection method: clinical testing. Allele origin: germline.
Comment: This sequence change replaces arginine, which is basic and polar, with glycine, which is neutral and non-polar, at codon 185 of the SPRED1 protein (p.Arg185Gly). This variant is not present in population databases (gnomAD no frequency). This variant has not been reported in the literature in individuals affected with SPRED1-related conditions. ClinVar contains an entry for this variant (Variation ID: 3015449). Invitae Evidence Modeling of protein sequence and biophysical properties (such as structural, functional, and spatial information, amino acid conservation, physicochemical variation, residue mobility, and thermodynamic stability) indicates that this missense variant is not expected to disrupt SPRED1 protein function with a negative predictive value of 80%. In summary, the available evidence is currently insufficient to determine the role of this variant in disease. Therefore, it has been classified as a Variant of Uncertain Significance.